The following is an entry in ClinVar:

ClinVar aggregate classification (germline): Uncertain significance. Review status: criteria provided, multiple submitters, no conflicts (2 of 4 stars). 2 submissions from 2 submitters: Uncertain significance (2). Last evaluated 2024-05-09.

Conditions:
Dilated cardiomyopathy 1DD (CMD1DD). Identifiers: Orphanet 154, MedGen C2750995, MONDO:0013168, OMIM 613172.
Cardiovascular phenotype. Identifiers: MedGen CN230736.

gnomAD v4.1: 1 of 1,529,706 alleles (0.000065%); highest among the groups gnomAD compares: Non-Finnish European, 0.000088%; no homozygotes.

Submissions (2):

Labcorp Genetics (formerly Invitae), Labcorp
Classification: Uncertain significance for Dilated cardiomyopathy 1DD. Last evaluated: 2024-05-09. Review status: criteria provided, single submitter. Criteria: Invitae Variant Classification Sherloc (09022015). Collection method: clinical testing. Allele origin: germline.
Comment: This sequence change replaces alanine, which is neutral and non-polar, with glycine, which is neutral and non-polar, at codon 23 of the RBM20 protein (p.Ala23Gly). This variant is not present in population databases (gnomAD no frequency). This variant has not been reported in the literature in individuals affected with RBM20-related conditions. ClinVar contains an entry for this variant (Variation ID: 1756053). Advanced modeling of protein sequence and biophysical properties (such as structural, functional, and spatial information, amino acid conservation, physicochemical variation, residue mobility, and thermodynamic stability) performed at Invitae indicates that this missense variant is not expected to disrupt RBM20 protein function with a negative predictive value of 95%. In summary, the available evidence is currently insufficient to determine the role of this variant in disease. Therefore, it has been classified as a Variant of Uncertain Significance.

Ambry Genetics
Classification: Uncertain significance for Cardiovascular phenotype. Last evaluated: 2022-01-11. Review status: criteria provided, single submitter. Criteria: Ambry Variant Classification Scheme 2023. Collection method: clinical testing. Allele origin: germline.
Comment: The p.A23G variant (also known as c.68C>G), located in coding exon 1 of the RBM20 gene, results from a C to G substitution at nucleotide position 68. The alanine at codon 23 is replaced by glycine, an amino acid with similar properties. This amino acid position is conserved. In addition, the in silico prediction for this alteration is inconclusive. Since supporting evidence is limited at this time, the clinical significance of this alteration remains unclear.

NM_001134363.3(RBM20):c.68C>G (p.Ala23Gly)

Gene: RBM20 (RNA binding motif protein 20; plus strand). Cytogenetic location: 10q25.2.
Variant type: single nucleotide variant.
Coding change: c.68C>G on transcript NM_001134363.3 (MANE Select); coding-DNA position 68, C replaced by G.
Protein change: p.Ala23Gly; replaces alanine 23 with glycine.
Molecular consequence: missense variant.
Genome position (GRCh38, 1-based): chr10:110,644,522, C>G. VCF-style: chr10-110644522-C-G. GRCh37 (hg19) VCF-style: chr10-112404280-C-G.
Other names: short protein forms A23G.
Identifiers: ClinVar variation 1756053 (VCV001756053.3), dbSNP rs925693368, ClinGen allele CA378527501.
Genomic context (GRCh38, chr10:110,644,522, plus strand): 5'-TGGCAGCAGCCATGAGCCAGGACGCGGACCCCAGCGGTCCGGAGCAGCCGGACAGAGTTG[C>G]CTGCAGTGTGCCTGGTGCCCGGGCGTCCCCGGCACCCTCCGGCCCGCGAGGGATGCAGCA-3'
Protein context (NP_001127835.2, residues 13-33): PSGPEQPDRV[Ala23Gly]CSVPGARASP